The following is an entry in ClinVar:

ClinVar aggregate classification (germline): Uncertain significance (1 of 4 stars; one submission).

Conditions:
HGSNAT-related disorder. Also called: HGSNAT-related condition.

gnomAD v4.1: 9 of 1,585,312 alleles (0.00057%); highest among the groups gnomAD compares: African/African-American, 0.0027%; no homozygotes.

Submission:

PreventionGenetics, part of Exact Sciences
Classification: Uncertain significance for HGSNAT-related condition. Last evaluated: 2025-03-24. Review status: criteria provided, single submitter. Criteria: ACMG Guidelines, 2015. Collection method: clinical testing. Allele origin: germline.
Comment: The HGSNAT c.608G>A variant is predicted to result in the amino acid substitution p.Arg203Gln. To our knowledge, this variant has not been reported in the literature. This variant is reported in 0.0074% of alleles in individuals of African descent in gnomAD. At this time, the clinical significance of this variant is uncertain due to the absence of conclusive functional and genetic evidence.

NM_152419.3(HGSNAT):c.608G>A (p.Arg203Gln)

Gene: HGSNAT (heparan-alpha-glucosaminide N-acetyltransferase; plus strand). Cytogenetic location: 8p11.21.
Variant type: single nucleotide variant.
Coding change: c.608G>A on transcript NM_152419.3 (MANE Select); coding-DNA position 608, G replaced by A.
Protein change: p.Arg203Gln; replaces arginine 203 with glutamine.
Molecular consequence: missense variant. On other transcripts: 5 prime UTR variant (1).
Genome position (GRCh38, 1-based): chr8:43,169,217, G>A. VCF-style: chr8-43169217-G-A. GRCh37 (hg19) VCF-style: chr8-43024360-G-A.
Other names: c.608G>A, p.Arg203Gln (NM_001363227.2, NM_001363228.2); c.-226G>A (NM_001363229.2); short protein forms R203Q.
Identifiers: ClinVar variation 4988612 (VCV004988612.1).